The following is an entry in ClinVar:

ClinVar aggregate classification (germline): Uncertain significance (1 of 4 stars; one submission).

Conditions:
Hereditary cancer-predisposing syndrome. Also called: Tumor predisposition; Hereditary neoplastic syndrome; Neoplastic Syndromes, Hereditary; Hereditary Cancer Syndrome. Identifiers: Orphanet 140162, MedGen C0027672, MeSH D009386, MONDO:0015356.

Submission:

Ambry Genetics
Classification: Uncertain significance for Hereditary cancer-predisposing syndrome. Last evaluated: 2024-12-26. Review status: criteria provided, single submitter. Criteria: Ambry Variant Classification Scheme 2023. Collection method: clinical testing. Allele origin: germline.
Comment: The p.P340S variant (also known as c.1018C>T), located in coding exon 6 of the FLCN gene, results from a C to T substitution at nucleotide position 1018. The proline at codon 340 is replaced by serine, an amino acid with similar properties. This amino acid position is not well conserved in available vertebrate species. In addition, this alteration is predicted to be tolerated by in silico analysis. Based on the available evidence, the clinical significance of this variant remains unclear.

NM_144997.7(FLCN):c.1018C>T (p.Pro340Ser)

Gene: FLCN (folliculin; minus strand). Cytogenetic location: 17p11.2.
Variant type: single nucleotide variant.
Coding change: c.1018C>T on transcript NM_144997.7 (MANE Select); coding-DNA position 1018, C replaced by T.
Protein change: p.Pro340Ser; replaces proline 340 with serine.
Molecular consequence: missense variant.
Genome position (GRCh38, 1-based): chr17:17,219,063, G>A on the plus strand (C>T on the coding strand, the complement: FLCN is on the minus strand). VCF-style: chr17-17219063-G-A. GRCh37 (hg19) VCF-style: chr17-17122377-G-A.
Other names: c.1072C>T, p.Pro358Ser (NM_001353229.2); c.1018C>T, p.Pro340Ser (NM_001353230.2, NM_001353231.2); short protein forms P358S, P340S.
Identifiers: ClinVar variation 818272 (VCV000818272.5), dbSNP rs1597591465, ClinGen allele CA398532732.
Genomic context (GRCh38, chr17:17,219,063, plus strand): 5'-TGCCCCTGCCGCCTACCTGCCTCATGTGCCGGAGGGACTTGAAGACTGGCAGCTTCCGGG[G>A]CTGCCAGCTCCCACAGCCTGAGAGAGAGGAGGACTCTGCCGGGCCCTGGGTCAGCTCCCG-3'
Protein context (NP_659434.2, residues 330-350): SSLSGCGSWQ[Pro340Ser]RKLPVFKSLR